The following is an entry in ClinVar:

NM_000051.4(ATM):c.5553C>G (p.Leu1851=)

Gene: ATM (ATM serine/threonine kinase; plus strand). Cytogenetic location: 11q22.3.
Variant type: single nucleotide variant.
Coding change: c.5553C>G on transcript NM_000051.4 (MANE Select); coding-DNA position 5553, C replaced by G.
Protein change: p.Leu1851=; no amino-acid change (leucine 1851 retained).
Molecular consequence: synonymous variant.
Genome position (GRCh38, 1-based): chr11:108,304,731, C>G. VCF-style: chr11-108304731-C-G. GRCh37 (hg19) VCF-style: chr11-108175458-C-G.
Other names: c.5553C>G, p.Leu1851= (NM_001351834.2).
Identifiers: ClinVar variation 183866 (VCV000183866.15), dbSNP rs786201126, ClinGen allele CA186811.

ClinVar aggregate classification (germline): Benign/Likely benign. Review status: criteria provided, multiple submitters, no conflicts (2 of 4 stars). 3 submissions from 3 submitters: Benign (1); Likely benign (2). Last evaluated 2026-01-26.

Conditions:
Hereditary cancer-predisposing syndrome. Also called: Tumor predisposition; Hereditary Cancer Syndrome; Hereditary neoplastic syndrome; Neoplastic Syndromes, Hereditary. Identifiers: Orphanet 140162, MedGen C0027672, MeSH D009386, MONDO:0015356.
Ataxia-telangiectasia syndrome (AT). Also called: LOUIS-BAR SYNDROME; Cerebello-oculocutaneous telangiectasia; Immunodeficiency with ataxia telangiectasia; ATAXIA-TELANGIECTASIA, COMPLEMENTATION GROUP A; ATAXIA-TELANGIECTASIA, FRESNO VARIANT; Ataxia-telangiectasia. Identifiers: Orphanet 100, MedGen C0004135, MONDO:0008840, OMIM 208900.
Familial cancer of breast. Also called: BREAST CANCER, FAMILIAL; hereditary breast carcinoma; Hereditary breast cancer. Identifiers: Orphanet 227535, MedGen C0346153, MONDO:0016419, OMIM 114480. Disease mechanism: loss of function.

Allele frequency attached by ClinVar (database versions not stated): gnomAD exomes below 0.00001; gnomAD 0.00001; TOPMed 0.00001.
gnomAD v4.1: 6 of 1,613,822 alleles (0.00037%); highest among the groups gnomAD compares: Non-Finnish European, 0.00051%; no homozygotes.

Submissions (3):

Labcorp Genetics (formerly Invitae), Labcorp
Classification: Likely benign for Ataxia-telangiectasia syndrome. Last evaluated: 2026-01-26. Review status: criteria provided, single submitter. Criteria: Invitae Variant Classification Sherloc (09022015). Collection method: clinical testing. Allele origin: germline.

Myriad Genetics, Inc.
Classification: Benign for Familial cancer of breast. Last evaluated: 2024-05-23. Review status: criteria provided, single submitter. Criteria: Myriad Autosomal Dominant, Autosomal Recessive and X-Linked Classification Criteria (2023). Collection method: clinical testing. Allele origin: unknown.
Comment: This variant is considered benign. This variant is a silent/synonymous amino acid change and it is not expected to impact splicing.

Ambry Genetics
Classification: Likely benign for Hereditary cancer-predisposing syndrome. Last evaluated: 2022-05-12. Review status: criteria provided, single submitter. Criteria: Ambry Variant Classification Scheme 2023. Collection method: clinical testing. Allele origin: germline.